The following is an entry in ClinVar:

ClinVar aggregate classification (germline): Likely pathogenic. Review status: criteria provided, multiple submitters, no conflicts (2 of 4 stars). 2 submissions from 2 submitters: Likely pathogenic (2). Last evaluated 2024-08-31.

Conditions:
ALG1-congenital disorder of glycosylation. Also called: ALG1-CDG; CONGENITAL DISORDER OF GLYCOSYLATION, TYPE Ik; CDG Ik. Identifiers: Orphanet 79327, MedGen C2931005, MONDO:0012052, OMIM 608540.

Allele frequency attached by ClinVar (database versions not stated): gnomAD exomes 0.00001; TOPMed 0.00001; ExAC 0.00002.
gnomAD v4.1: 7 of 1,600,690 alleles (0.00044%); highest among the groups gnomAD compares: Middle Eastern, 0.023%; no homozygotes.

Submissions (2):

Labcorp Genetics (formerly Invitae), Labcorp
Classification: Likely pathogenic for ALG1-congenital disorder of glycosylation. Last evaluated: 2024-08-31. Review status: criteria provided, single submitter. Criteria: Invitae Variant Classification Sherloc (09022015). Collection method: clinical testing. Allele origin: germline.
Comment: This sequence change affects an acceptor splice site in intron 7 of the ALG1 gene. It is expected to disrupt RNA splicing. Variants that disrupt the donor or acceptor splice site typically lead to a loss of protein function (PMID: 16199547), and loss-of-function variants in ALG1 are known to be pathogenic (PMID: 20679665, 23806237). This variant is present in population databases (rs768733117, gnomAD 0.01%). This variant has not been reported in the literature in individuals affected with ALG1-related conditions. ClinVar contains an entry for this variant (Variation ID: 580876). Algorithms developed to predict the effect of sequence changes on RNA splicing suggest that this variant may disrupt the consensus splice site. In summary, the currently available evidence indicates that the variant is pathogenic, but additional data are needed to prove that conclusively. Therefore, this variant has been classified as Likely Pathogenic.

Juno Genomics, Hangzhou Juno Genomics, Inc
Classification: Likely pathogenic for ALG1-congenital disorder of glycosylation. Review status: criteria provided, single submitter. Criteria: ACMG Guidelines, 2015. Collection method: clinical testing. Allele origin: germline. Affected: yes.
Comment: Null variant in a gene where loss of function (LOF) is a known mechanism of disease.;Patient's phenotype or family history is highly specific for a disease with a single genetic etiology.;Absent from controls (or at extremely low frequency if recessive) in Genome Aggregation Database, Exome Sequencing Project, 1000 Genomes Project, or Exome Aggregation Consortium.

Literature cited by the submitters: PubMed 16199547 (cited by Labcorp Genetics (formerly Invitae), Labcorp); PubMed 20679665 (cited by Labcorp Genetics (formerly Invitae), Labcorp); PubMed 23806237 (cited by Labcorp Genetics (formerly Invitae), Labcorp).

NM_019109.5(ALG1):c.863-2A>G

Gene: ALG1 (ALG1 chitobiosyldiphosphodolichol beta-mannosyltransferase; plus strand). Cytogenetic location: 16p13.3.
Variant type: single nucleotide variant.
Coding change: c.863-2A>G on transcript NM_019109.5 (MANE Select); the canonical splice acceptor site of the intron before coding-DNA position 863, A replaced by G.
Molecular consequence: splice acceptor variant.
Genome position (GRCh38, 1-based): chr16:5,079,062, A>G. VCF-style: chr16-5079062-A-G. GRCh37 (hg19) VCF-style: chr16-5129063-A-G.
Other names: c.530-2A>G (NM_001330504.2).
Identifiers: ClinVar variation 580876 (VCV000580876.11), dbSNP rs768733117, ClinGen allele CA7890067.